The following is an entry in ClinVar:

ClinVar aggregate classification (germline): Likely benign (0 of 4 stars; one submission).

Conditions:
IRF3-related disorder. Also called: IRF3-related condition.

Allele frequency attached by ClinVar (database versions not stated): ExAC 0.00013; 1000 Genomes Project 0.00020; ESP Exome Variant Server 0.00038; 1000 Genomes Project 30x 0.00047; gnomAD 0.00047; TOPMed 0.00057.

Submission:

PreventionGenetics, part of Exact Sciences
Classification: Likely benign for IRF3-related condition. Last evaluated: 2023-02-20. Review status: no assertion criteria provided. Collection method: clinical testing. Allele origin: germline.
Comment: This variant is classified as likely benign based on ACMG/AMP sequence variant interpretation guidelines (Richards et al. 2015 PMID: 25741868, with internal and published modifications).

NM_001571.6(IRF3):c.827G>A (p.Arg276Gln)

Gene: IRF3 (interferon regulatory factor 3; minus strand). Cytogenetic location: 19q13.33.
Variant type: single nucleotide variant.
Coding change: c.827G>A on transcript NM_001571.6 (MANE Select); coding-DNA position 827, G replaced by A.
Protein change: p.Arg276Gln; replaces arginine 276 with glutamine.
Molecular consequence: missense variant. On other transcripts: non-coding transcript variant (1), intron variant (3).
Genome position (GRCh38, 1-based): chr19:49,662,103, C>T on the plus strand (G>A on the coding strand, the complement: IRF3 is on the minus strand). VCF-style: chr19-49662103-C-T. GRCh37 (hg19) VCF-style: chr19-50165360-C-T.
Other names: c.827G>A, p.Arg276Gln (NM_001197122.2); c.722G>A, p.Arg241Gln (NM_001197123.2); c.389G>A, p.Arg130Gln (NM_001197125.2, NM_001197126.2); c.163+322G>A (NM_001197128.2, NM_001197127.2); c.601+322G>A (NM_001197124.2); short protein forms R130Q, R241Q, R276Q.
Identifiers: ClinVar variation 3036722 (VCV003036722.2), dbSNP rs138165581, ClinGen allele CA9580330.